The following is an entry in ClinVar:

NM_144997.7(FLCN):c.976C>T (p.Pro326Ser)

Gene: FLCN (folliculin; minus strand). Cytogenetic location: 17p11.2.
Variant type: single nucleotide variant.
Coding change: c.976C>T on transcript NM_144997.7 (MANE Select); coding-DNA position 976, C replaced by T.
Protein change: p.Pro326Ser; replaces proline 326 with serine.
Molecular consequence: missense variant.
Genome position (GRCh38, 1-based): chr17:17,219,105, G>A on the plus strand (C>T on the coding strand, the complement: FLCN is on the minus strand). VCF-style: chr17-17219105-G-A. GRCh37 (hg19) VCF-style: chr17-17122419-G-A.
Other names: c.976C>T (LRG_325t1, NM_144997.6); c.1030C>T, p.Pro344Ser (NM_001353229.2); c.976C>T, p.Pro326Ser (NM_001353230.2, NM_001353231.2); short protein forms P326S, P344S.
Identifiers: ClinVar variation 409404 (VCV000409404.7), dbSNP rs751478971, ClinGen allele CA8416183.
Genomic context (GRCh38, chr17:17,219,105, plus strand): 5'-AGACTGGCAGCTTCCGGGGCTGCCAGCTCCCACAGCCTGAGAGAGAGGAGGACTCTGCCG[G>A]GCCCTGGGTCAGCTCCCGCCCTTCTGTACTCTCTGGCAACACAGGGGCTTTCTCCTCCTC-3'
Protein context (NP_659434.2, residues 316-336): STEGRELTQG[Pro326Ser]AESSSLSGCG

ClinVar aggregate classification (germline): Uncertain significance. Review status: criteria provided, multiple submitters, no conflicts (2 of 4 stars). 3 submissions from 3 submitters: Uncertain significance (3). Last evaluated 2024-02-19.

Conditions:
Birt-Hogg-Dube syndrome. Also called: Birt Hogg Dubé syndrome. Identifiers: Orphanet 122, MedGen C0346010, MONDO:0800444.
Hereditary cancer-predisposing syndrome. Also called: Hereditary neoplastic syndrome; Neoplastic Syndromes, Hereditary; Tumor predisposition; Hereditary Cancer Syndrome. Identifiers: Orphanet 140162, MedGen C0027672, MeSH D009386, MONDO:0015356.

Allele frequency attached by ClinVar (database versions not stated): gnomAD exomes below 0.00001 and 0.00001; ExAC 0.00001.
gnomAD v4.1: 8 of 1,614,138 alleles (0.0005%); highest among the groups gnomAD compares: South Asian, 0.0011%; no homozygotes.

Submissions (3):

Labcorp Genetics (formerly Invitae), Labcorp
Classification: Uncertain significance for Birt-Hogg-Dube syndrome. Last evaluated: 2024-02-19. Review status: criteria provided, single submitter. Criteria: Invitae Variant Classification Sherloc (09022015). Collection method: clinical testing. Allele origin: germline.
Comment: This sequence change replaces proline, which is neutral and non-polar, with serine, which is neutral and polar, at codon 326 of the FLCN protein (p.Pro326Ser). This variant is present in population databases (rs751478971, gnomAD 0.0009%). This variant has not been reported in the literature in individuals affected with FLCN-related conditions. ClinVar contains an entry for this variant (Variation ID: 409404). Algorithms developed to predict the effect of missense changes on protein structure and function output the following: SIFT: "Not Available"; PolyPhen-2: "Benign"; Align-GVGD: "Not Available". The serine amino acid residue is found in multiple mammalian species, which suggests that this missense change does not adversely affect protein function. In summary, the available evidence is currently insufficient to determine the role of this variant in disease. Therefore, it has been classified as a Variant of Uncertain Significance.

Quest Diagnostics Nichols Institute San Juan Capistrano
Classification: Uncertain significance. Last evaluated: 2024-01-29. Review status: criteria provided, single submitter. Criteria: Quest Diagnostics criteria. Collection method: clinical testing. Allele origin: unknown.
Comment: The FLCN c.976C>T (p.Pro326Ser) variant has not been reported in individuals with FLCN-related conditions in the published literature. The frequency of this variant in the general population, 0.0000088 (1/113752 chromosomes (Genome Aggregation Database)), is uninformative in the assessment of its pathogenicity. Analysis of this variant using bioinformatics tools for the prediction of the effect of amino acid changes on protein structure and function yielded predictions that this variant is benign. Based on the available information, we are unable to determine the clinical significance of this variant.

Ambry Genetics
Classification: Uncertain significance for Hereditary cancer-predisposing syndrome. Last evaluated: 2022-08-13. Review status: criteria provided, single submitter. Criteria: Ambry Variant Classification Scheme 2023. Collection method: clinical testing. Allele origin: germline.
Comment: The p.P326S variant (also known as c.976C>T), located in coding exon 6 of the FLCN gene, results from a C to T substitution at nucleotide position 976. The proline at codon 326 is replaced by serine, an amino acid with similar properties. This amino acid position is not well conserved in available vertebrate species. In addition, this alteration is predicted to be tolerated by in silico analysis. Since supporting evidence is limited at this time, the clinical significance of this alteration remains unclear.